The following is an entry in ClinVar:

ClinVar aggregate classification (germline): Uncertain significance. Review status: criteria provided, multiple submitters, no conflicts (2 of 4 stars). 2 submissions from 2 submitters: Uncertain significance (2). Last evaluated 2021-09-02.

Conditions:
Inborn genetic diseases. Identifiers: MedGen C0950123, MeSH D030342.
Hereditary spastic paraplegia 11. Also called: Spastic Paraplegia 11; Nakamura Osame syndrome; Autosomal recessive hereditary spastic paraplegia, mental impairment, and thin corpus callosum; Spastic paraplegia, mental retardation and thin corpus callosum; SPASTIC PARAPLEGIA, AUTOSOMAL RECESSIVE, COMPLICATED, WITH THIN CORPUS CALLOSUM; SPASTIC PARAPLEGIA, AUTOSOMAL RECESSIVE, WITH MENTAL IMPAIRMENT AND THIN CORPUS CALLOSUM. Identifiers: Orphanet 2822, MedGen C1858479, MONDO:0011445, OMIM 604360.

Allele frequency attached by ClinVar (database versions not stated): gnomAD 0.00001; TOPMed 0.00001.

Submissions (2):

Labcorp Genetics (formerly Invitae), Labcorp
Classification: Uncertain significance for Hereditary spastic paraplegia 11. Last evaluated: 2021-09-02. Review status: criteria provided, single submitter. Criteria: Invitae Variant Classification Sherloc (09022015). Collection method: clinical testing. Allele origin: germline.
Comment: This sequence change replaces threonine with alanine at codon 2115 of the SPG11 protein (p.Thr2115Ala). The threonine residue is moderately conserved and there is a small physicochemical difference between threonine and alanine. This variant is not present in population databases (ExAC no frequency). This variant has not been reported in the literature in individuals affected with SPG11-related conditions. Algorithms developed to predict the effect of missense changes on protein structure and function are either unavailable or do not agree on the potential impact of this missense change (SIFT: "Tolerated"; PolyPhen-2: "Possibly Damaging"; Align-GVGD: "Class C0"). Algorithms developed to predict the effect of sequence changes on RNA splicing suggest that this variant may create or strengthen a splice site. In summary, the available evidence is currently insufficient to determine the role of this variant in disease. Therefore, it has been classified as a Variant of Uncertain Significance.

Ambry Genetics
Classification: Uncertain significance for Inborn genetic diseases. Last evaluated: 2021-01-06. Review status: criteria provided, single submitter. Criteria: Ambry Variant Classification Scheme 2023. Collection method: clinical testing. Allele origin: germline.
Comment: The c.6343A>G variant (also known as p.T2115A), located in coding exon 33 of the SPG11 gene, results from an A to G substitution at nucleotide position 6343. The threonine at codon 2115 is replaced by alanine, an amino acid with similar properties. This amino acid position is well conserved in available vertebrate species. In addition, the in silico prediction for this alteration is inconclusive. Since supporting evidence is limited at this time, the clinical significance of this alteration remains unclear.

NM_025137.4(SPG11):c.6343A>G (p.Thr2115Ala)

Gene: SPG11 (SPG11 vesicle trafficking associated, spatacsin; minus strand). Cytogenetic location: 15q21.1.
Variant type: single nucleotide variant.
Coding change: c.6343A>G on transcript NM_025137.4 (MANE Select); coding-DNA position 6343, A replaced by G.
Protein change: p.Thr2115Ala; replaces threonine 2115 with alanine.
Molecular consequence: missense variant.
Genome position (GRCh38, 1-based): chr15:44,572,683, T>C on the plus strand (A>G on the coding strand, the complement: SPG11 is on the minus strand). VCF-style: chr15-44572683-T-C. GRCh37 (hg19) VCF-style: chr15-44864881-T-C.
Other names: c.6004A>G, p.Thr2002Ala (NM_001160227.2); short protein forms T2002A, T2115A.
Identifiers: ClinVar variation 943818 (VCV000943818.8), dbSNP rs2082447213, ClinGen allele CA392217003.
Genomic context (GRCh38, chr15:44,572,683, plus strand): 5'-GGGAGACCTTTTGAGACCTGTTTAGGGCCAAAATATGTAAGAAAAAGGTCAATAACTTAC[T>C]GCAAGACAGTTCCCCATGGGGAACGGAGGAAATCTTATCCAACAACTTCATGCCTACCAA-3'
Protein context (NP_079413.3, residues 2105-2125): SSVPHGELSC[Thr2115Ala]TELLILAHHC